The following is an entry in ClinVar:

NM_000642.3(AGL):c.2849A>G (p.Asn950Ser)

Gene: AGL (amylo-alpha-1,6-glucosidase and 4-alpha-glucanotransferase; plus strand). Cytogenetic location: 1p21.2.
Variant type: single nucleotide variant.
Coding change: c.2849A>G on transcript NM_000642.3 (MANE Select); coding-DNA position 2849, A replaced by G.
Protein change: p.Asn950Ser; replaces asparagine 950 with serine.
Molecular consequence: missense variant.
Genome position (GRCh38, 1-based): chr1:99,891,256, A>G. VCF-style: chr1-99891256-A-G. GRCh37 (hg19) VCF-style: chr1-100356812-A-G.
Other names: c.2849A>G, p.Asn950Ser (NM_000028.3, NM_000643.3, NM_000644.3 and 1 more transcripts); c.2801A>G, p.Asn934Ser (NM_000646.3); c.2828A>G, p.Asn943Ser (NM_001425326.1); c.2648A>G, p.Asn883Ser (NM_001425327.1); c.2645A>G, p.Asn882Ser (NM_001425328.1); c.2510A>G, p.Asn837Ser (NM_001425329.1); c.2471A>G, p.Asn824Ser (NM_001425332.1); short protein forms N934S, N950S, N824S, N837S, N882S, N883S, N943S.
Identifiers: ClinVar variation 1958354 (VCV001958354.5), dbSNP rs745956156, ClinGen allele CA966919.

ClinVar aggregate classification (germline): Uncertain significance (1 of 4 stars; one submission).

Conditions:
Glycogen storage disease type III (GSD3). Also called: FORBES DISEASE; Cori disease. Identifiers: Orphanet 366, MedGen C0017922, MONDO:0009291, OMIM 232400.

Allele frequency attached by ClinVar (database versions not stated): gnomAD exomes below 0.00001; ExAC 0.00001.
gnomAD v4.1: 1 of 1,613,708 alleles (0.000062%); highest among the groups gnomAD compares: Admixed American, 0.0017%; no homozygotes.

Submission:

Labcorp Genetics (formerly Invitae), Labcorp
Classification: Uncertain significance for Glycogen storage disease type III. Last evaluated: 2022-03-03. Review status: criteria provided, single submitter. Criteria: Invitae Variant Classification Sherloc (09022015). Collection method: clinical testing. Allele origin: germline.
Comment: Algorithms developed to predict the effect of missense changes on protein structure and function are either unavailable or do not agree on the potential impact of this missense change (SIFT: "Deleterious"; PolyPhen-2: "Possibly Damaging"; Align-GVGD: "Class C0"). In summary, the available evidence is currently insufficient to determine the role of this variant in disease. Therefore, it has been classified as a Variant of Uncertain Significance. This variant has not been reported in the literature in individuals affected with AGL-related conditions. This variant is present in population databases (rs745956156, gnomAD 0.003%). This sequence change replaces asparagine, which is neutral and polar, with serine, which is neutral and polar, at codon 950 of the AGL protein (p.Asn950Ser).